The following is an entry in ClinVar:

ClinVar aggregate classification (germline): Pathogenic (1 of 4 stars; one submission).

Conditions:
Baller-Gerold syndrome (BGS). Also called: CRANIOSYNOSTOSIS WITH RADIAL DEFECTS. Identifiers: Orphanet 1225, MedGen C0265308, MONDO:0009039, OMIM 218600.

Submission:

Labcorp Genetics (formerly Invitae), Labcorp
Classification: Pathogenic for Baller-Gerold syndrome. Last evaluated: 2022-08-26. Review status: criteria provided, single submitter. Criteria: Invitae Variant Classification Sherloc (09022015). Collection method: clinical testing. Allele origin: germline.
Comment: For these reasons, this variant has been classified as Pathogenic. This variant has not been reported in the literature in individuals affected with RECQL4-related conditions. This variant is not present in population databases (gnomAD no frequency). This sequence change creates a premature translational stop signal (p.Leu664Serfs*26) in the RECQL4 gene. It is expected to result in an absent or disrupted protein product. Loss-of-function variants in RECQL4 are known to be pathogenic (PMID: 12734318, 12952869).

Literature cited by the submitters: PubMed 12734318; PubMed 12952869.

NM_004260.4(RECQL4):c.1990del (p.Leu664fs)

Gene: RECQL4 (RecQ like helicase 4; minus strand). Cytogenetic location: 8q24.3.
Variant type: Deletion.
Coding change: c.1990del on transcript NM_004260.4 (MANE Select); coding-DNA position 1990, one base deleted (C; older notation c.1990delC).
Protein change: p.Leu664fs; shifts the reading frame from leucine 664.
Molecular consequence: frameshift variant.
Genome position (GRCh38, 1-based): chr8:144,513,996, G deleted on the plus strand (C on the coding strand, the reverse complement: RECQL4 is on the minus strand); the first of 2 consecutive G bases (chr8:144,513,996-144,513,997); deleting either gives the same sequence. VCF-style (leftmost placement, unchanged base first): chr8-144513995-AG-A. GRCh37 (hg19) VCF-style: chr8-145739379-AG-A.
Other names: c.1893delC, p.Leu632Serfs (NM_001413017.1, NM_001413020.1); c.1989delC, p.Leu664Serfs (NM_001413018.1, NM_001413019.1, NM_001413036.1); c.918delC, p.Leu307Serfs (NM_001413021.1, NM_001413022.1, NM_001413023.1 and 6 more transcripts); c.1860delC, p.Leu621Serfs (NM_001413025.1); c.852delC, p.Leu285Serfs (NM_001413027.1, NM_001413030.1, NM_001413032.1 and 1 more transcripts); c.1638delC, p.Leu547Serfs (NM_001413029.1); c.720delC, p.Leu241Serfs (NM_001413031.1); c.1857delC, p.Leu620Serfs (NM_001413033.1); and 4 more; short protein forms L664fs.
Identifiers: ClinVar variation 2147457 (VCV002147457.4), dbSNP rs2538032464, ClinGen allele CA2579283087.